The following is an entry in ClinVar:

ClinVar aggregate classification (germline): Pathogenic (1 of 4 stars; one submission).

Conditions:
Leber congenital amaurosis 13 (LCA13). Identifiers: MedGen C2675186, MONDO:0012990, OMIM 612712.

Submission:

Labcorp Genetics (formerly Invitae), Labcorp
Classification: Pathogenic for Leber congenital amaurosis 13. Last evaluated: 2023-06-07. Review status: criteria provided, single submitter. Criteria: Invitae Variant Classification Sherloc (09022015). Collection method: clinical testing. Allele origin: germline.
Comment: For these reasons, this variant has been classified as Pathogenic. This variant disrupts a region of the RDH12 protein in which other variant(s) (p.Arg295*) have been determined to be pathogenic (PMID: 16269441, 22065924, 26047050, 28559085). This suggests that this is a clinically significant region of the protein, and that variants that disrupt it are likely to be disease-causing. This variant has not been reported in the literature in individuals affected with RDH12-related conditions. This variant is not present in population databases (gnomAD no frequency). This sequence change creates a premature translational stop signal (p.Leu270Argfs*6) in the RDH12 gene. While this is not anticipated to result in nonsense mediated decay, it is expected to disrupt the last 47 amino acid(s) of the RDH12 protein.

Literature cited by the submitters: PubMed 16269441; PubMed 22065924; PubMed 26047050; PubMed 28559085.

NM_152443.3(RDH12):c.807_813del (p.Leu270fs)

Genes: GPHN (gephyrin; plus strand), ZFYVE26 (zinc finger FYVE-type containing 26; minus strand), RDH12 (retinol dehydrogenase 12; plus strand). Cytogenetic location: 14q24.1.
Variant type: Deletion.
Coding change: c.807_813del on transcript NM_152443.3 (MANE Select); coding-DNA positions 807 to 813, 7 bases deleted (CCTGGCT; older notation c.807_813delCCTGGCT).
Protein change: p.Leu270fs; shifts the reading frame from leucine 270.
Molecular consequence: frameshift variant.
Genome position (GRCh38, 1-based): chr14:67,729,339-67,729,345, CCTGGCT deleted. VCF-style (leftmost placement, unchanged base first): chr14-67729338-CCCTGGCT-C. GRCh37 (hg19) VCF-style: chr14-68196055-CCCTGGCT-C.
Other names: short protein forms L270fs.
Identifiers: ClinVar variation 2697759 (VCV002697759.3), dbSNP rs2503833934, ClinGen allele CA2697553961.
Genomic context (GRCh38, chr14:67,729,338, plus strand): 5'-GGCTCTTCTCCCCCTTTGTCAAGACGGCACGGGAGGGGGCGCAGACCAGCCTGCACTGCG[CCCTGGCT>C]GAGGGCCTGGAGCCCCTGAGTGGCAAGTACTTCAGGTGTGTGAAGGCAATGCGGTTCTCT-3'